The following is an entry in ClinVar:

ClinVar aggregate classification (germline): Uncertain significance (1 of 4 stars; one submission).

Conditions:
Cardiovascular phenotype. Identifiers: MedGen CN230736.

Submission:

Ambry Genetics
Classification: Uncertain significance for Cardiovascular phenotype. Last evaluated: 2025-03-23. Review status: criteria provided, single submitter. Criteria: Ambry Variant Classification Scheme 2023. Collection method: clinical testing. Allele origin: germline.
Comment: The p.L1440F variant (also known as c.4318C>T), located in coding exon 2 of the ZNF469 gene, results from a C to T substitution at nucleotide position 4318. The leucine at codon 1440 is replaced by phenylalanine, an amino acid with highly similar properties. This amino acid position is conserved. In addition, this alteration is predicted to be tolerated by in silico analysis. Based on the available evidence, the clinical significance of this variant remains unclear.

NM_001367624.2(ZNF469):c.4402C>T (p.Leu1468Phe)

Gene: ZNF469 (zinc finger protein 469; plus strand). Cytogenetic location: 16q24.2.
Variant type: single nucleotide variant.
Coding change: c.4402C>T on transcript NM_001367624.2 (MANE Select); coding-DNA position 4402, C replaced by T.
Protein change: p.Leu1468Phe; replaces leucine 1468 with phenylalanine.
Molecular consequence: missense variant.
Genome position (GRCh38, 1-based): chr16:88,431,872, C>T. VCF-style: chr16-88431872-C-T. GRCh37 (hg19) VCF-style: chr16-88498280-C-T.
Other names: NM_001127464.1:c.4318C>T; short protein forms L1468F.
Identifiers: ClinVar variation 3987292 (VCV003987292.1).